The following is an entry in ClinVar:

NM_001042492.3(NF1):c.3598G>A (p.Val1200Ile)

Gene: NF1 (neurofibromin 1; plus strand). Cytogenetic location: 17q11.2.
Variant type: single nucleotide variant.
Coding change: c.3598G>A on transcript NM_001042492.3 (MANE Select); coding-DNA position 3598, G replaced by A.
Protein change: p.Val1200Ile; replaces valine 1200 with isoleucine.
Molecular consequence: missense variant.
Genome position (GRCh38, 1-based): chr17:31,233,103, G>A. VCF-style: chr17-31233103-G-A. GRCh37 (hg19) VCF-style: chr17-29560121-G-A.
Other names: c.3598G>A, p.Val1200Ile (NM_000267.4); short protein forms V1200I.
Identifiers: ClinVar variation 653329 (VCV000653329.5), dbSNP rs1597720021, ClinGen allele CA398990248.

ClinVar aggregate classification (germline): Uncertain significance (1 of 4 stars; one submission).

Conditions:
Neurofibromatosis, type 1 (NF1). Also called: VON RECKLINGHAUSEN DISEASE; Neurofibromatosis, type I; NEUROFIBROMATOSIS, TYPE I, SOMATIC; Peripheral type neurofibromatosis. Identifiers: Orphanet 636, MedGen C0027831, MONDO:0018975, OMIM 162200. Disease mechanism: loss of function.

Submission:

Labcorp Genetics (formerly Invitae), Labcorp
Classification: Uncertain significance for Neurofibromatosis, type 1. Last evaluated: 2025-05-08. Review status: criteria provided, single submitter. Criteria: Invitae Variant Classification Sherloc (09022015). Collection method: clinical testing. Allele origin: germline.
Comment: This sequence change replaces valine, which is neutral and non-polar, with isoleucine, which is neutral and non-polar, at codon 1200 of the NF1 protein (p.Val1200Ile). This variant is not present in population databases (gnomAD no frequency). This variant has not been reported in the literature in individuals affected with NF1-related conditions. ClinVar contains an entry for this variant (Variation ID: 653329). Invitae Evidence Modeling of protein sequence and biophysical properties (such as structural, functional, and spatial information, amino acid conservation, physicochemical variation, residue mobility, and thermodynamic stability) indicates that this missense variant is not expected to disrupt NF1 protein function with a negative predictive value of 95%. In summary, the available evidence is currently insufficient to determine the role of this variant in disease. Therefore, it has been classified as a Variant of Uncertain Significance.